The following is an entry in ClinVar:

ClinVar aggregate classification (germline): Uncertain significance. Review status: criteria provided, multiple submitters, no conflicts (2 of 4 stars). 3 submissions from 3 submitters: Uncertain significance (3). Last evaluated 2026-08-17.

Conditions:
Hereditary cancer-predisposing syndrome. Also called: Hereditary Cancer Syndrome; Tumor predisposition; Hereditary neoplastic syndrome; Neoplastic Syndromes, Hereditary. Identifiers: Orphanet 140162, MedGen C0027672, MeSH D009386, MONDO:0015356.
Juvenile polyposis syndrome (JPS). Identifiers: Orphanet 2929, MedGen C0345893, MONDO:0017380, OMIM 174900.

Submissions (3):

Ambry Genetics
Classification: Uncertain significance for Hereditary cancer-predisposing syndrome. Last evaluated: 2026-08-17. Review status: criteria provided, single submitter. Criteria: Ambry Variant Classification Scheme 2023. Collection method: clinical testing. Allele origin: germline.
Comment: The p.P136L variant (also known as c.407C>T), located in coding exon 4 of the BMPR1A gene, results from a C to T substitution at nucleotide position 407. The proline at codon 136 is replaced by leucine, an amino acid with similar properties. This amino acid position is highly conserved in available vertebrate species. In addition, this alteration is predicted to be deleterious by in silico analysis. Based on the available evidence, the clinical significance of this variant remains unclear.

Labcorp Genetics (formerly Invitae), Labcorp
Classification: Uncertain significance for Juvenile polyposis syndrome. Last evaluated: 2025-03-04. Review status: criteria provided, single submitter. Criteria: Invitae Variant Classification Sherloc (09022015). Collection method: clinical testing. Allele origin: germline.
Comment: This sequence change replaces proline, which is neutral and non-polar, with leucine, which is neutral and non-polar, at codon 136 of the BMPR1A protein (p.Pro136Leu). This variant is not present in population databases (gnomAD no frequency). This variant has not been reported in the literature in individuals affected with BMPR1A-related conditions. ClinVar contains an entry for this variant (Variation ID: 529941). Invitae Evidence Modeling of protein sequence and biophysical properties (such as structural, functional, and spatial information, amino acid conservation, physicochemical variation, residue mobility, and thermodynamic stability) has been performed for this missense variant. However, the output from this modeling did not meet the statistical confidence thresholds required to predict the impact of this variant on BMPR1A protein function. In summary, the available evidence is currently insufficient to determine the role of this variant in disease. Therefore, it has been classified as a Variant of Uncertain Significance.

3billion
Classification: Uncertain significance for Juvenile polyposis syndrome. Last evaluated: 2023-08-06. Review status: criteria provided, single submitter. Criteria: ACMG Guidelines, 2015. Collection method: clinical testing. Allele origin: germline. Affected: yes.
Comment: The variant is not observed in the gnomAD v2.1.1 dataset. Predicted Consequence/Location: Missense variant In silico tool predictions suggest damaging effect of the variant on gene or gene product [REVEL: 0.83 (>=0.6, sensitivity 0.68 and specificity 0.92); 3Cnet: 0.86 (>=0.6, sensitivity 0.72 and precision 0.9)]. Therefore, this variant is classified as VUS according to the recommendation of ACMG/AMP guideline.

Literature cited by the submitters: PubMed 31727138 (cited by 3billion).

NM_004329.3(BMPR1A):c.407C>T (p.Pro136Leu)

Gene: BMPR1A (bone morphogenetic protein receptor type 1A; plus strand). Cytogenetic location: 10q23.2.
Variant type: single nucleotide variant.
Coding change: c.407C>T on transcript NM_004329.3 (MANE Select); coding-DNA position 407, C replaced by T.
Protein change: p.Pro136Leu; replaces proline 136 with leucine.
Molecular consequence: missense variant.
Genome position (GRCh38, 1-based): chr10:86,899,867, C>T. VCF-style: chr10-86899867-C-T. GRCh37 (hg19) VCF-style: chr10-88659624-C-T.
Other names: short protein forms P136L.
Identifiers: ClinVar variation 529941 (VCV000529941.15), dbSNP rs1554888980, ClinGen allele CA377449799.
Genomic context (GRCh38, chr10:86,899,867, plus strand): 5'-CCCAGCTACGCCGGACAATAGAATGTTGTCGGACCAATTTATGTAACCAGTATTTGCAAC[C>T]CACACTGCCCCCTGTTGTCATAGGTAGGTTAGCCGAGAAAAGTCGGAGCATGCTTCTCAA-3'
Protein context (NP_004320.2, residues 126-146): RTNLCNQYLQ[Pro136Leu]TLPPVVIGPF